The following is an entry in ClinVar:

NM_000051.4(ATM):c.3285-12G>A

Gene: ATM (ATM serine/threonine kinase; plus strand). Cytogenetic location: 11q22.3.
Variant type: single nucleotide variant.
Coding change: c.3285-12G>A on transcript NM_000051.4 (MANE Select); 12 bases into the intron before coding-DNA position 3285, G replaced by A.
Molecular consequence: intron variant.
Genome position (GRCh38, 1-based): chr11:108,279,479, G>A. VCF-style: chr11-108279479-G-A. GRCh37 (hg19) VCF-style: chr11-108150206-G-A.
Other names: c.3285-12G>A (NM_001351834.2).
Identifiers: ClinVar variation 382772 (VCV000382772.12), dbSNP rs1057521452, ClinGen allele CA16606059.

ClinVar aggregate classification (germline): Conflicting classifications of pathogenicity. Review status: criteria provided, conflicting classifications (1 of 4 stars). 4 submissions from 4 submitters: Uncertain significance (1); Likely benign (3). Last evaluated 2024-07-19.

Conditions:
Hereditary cancer-predisposing syndrome. Also called: Hereditary neoplastic syndrome; Tumor predisposition; Neoplastic Syndromes, Hereditary; Hereditary Cancer Syndrome. Identifiers: Orphanet 140162, MedGen C0027672, MeSH D009386, MONDO:0015356.
Familial cancer of breast. Also called: Hereditary breast cancer; BREAST CANCER, FAMILIAL; hereditary breast carcinoma. Identifiers: Orphanet 227535, MedGen C0346153, MONDO:0016419, OMIM 114480. Disease mechanism: loss of function.
Ataxia-telangiectasia syndrome (AT). Also called: LOUIS-BAR SYNDROME; ATAXIA-TELANGIECTASIA, COMPLEMENTATION GROUP A; ATAXIA-TELANGIECTASIA, FRESNO VARIANT; Ataxia-telangiectasia; Ataxia telangiectasia (A-T); Cerebello-oculocutaneous telangiectasia. Identifiers: Orphanet 100, MedGen C0004135, MONDO:0008840, OMIM 208900.

Submissions (4):

Labcorp Genetics (formerly Invitae), Labcorp
Classification: Likely benign for Ataxia-telangiectasia syndrome. Last evaluated: 2024-07-19. Review status: criteria provided, single submitter. Criteria: Invitae Variant Classification Sherloc (09022015). Collection method: clinical testing. Allele origin: germline.

Myriad Genetics, Inc.
Classification: Likely benign for Familial cancer of breast. Last evaluated: 2024-05-14. Review status: criteria provided, single submitter. Criteria: Myriad Autosomal Dominant, Autosomal Recessive and X-Linked Classification Criteria (2023). Collection method: clinical testing. Allele origin: unknown.
Comment: This variant is considered likely benign. This variant is intronic and is not expected to impact mRNA splicing.

Color Diagnostics, LLC DBA Color Health
Classification: Uncertain significance for Hereditary cancer-predisposing syndrome. Last evaluated: 2021-04-02. Review status: criteria provided, single submitter. Criteria: ACMG Guidelines, 2015. Collection method: clinical testing. Allele origin: germline.
Comment: This variant causes a G to A nucleotide substitution at the -12 position of intron 22 of the ATM gene. Splice site prediction tools suggest that this variant may not impact RNA splicing, although this prediction has not been confirmed in published RNA studies. To our knowledge, this variant has not been reported in individuals affected with hereditary cancer in the literature. This variant has not been identified in the general population by the Genome Aggregation Database (gnomAD). The available evidence is insufficient to determine the role of this variant in disease conclusively. Therefore, this variant is classified as a Variant of Uncertain Significance.

GeneDx
Classification: Likely benign. Last evaluated: 2016-01-04. Review status: criteria provided, single submitter. Criteria: GeneDx Variant Classification (06012015). Collection method: clinical testing. Allele origin: germline. Affected: yes.
Comment: This variant is considered likely benign or benign based on one or more of the following criteria: it is a conservative change, it occurs at a poorly conserved position in the protein, it is predicted to be benign by multiple in silico algorithms, and/or has population frequency not consistent with disease.